The following is an entry in ClinVar:

ClinVar aggregate classification (germline): Uncertain significance (1 of 4 stars; one submission).

Conditions:
Juvenile polyposis syndrome (JPS). Identifiers: Orphanet 2929, MedGen C0345893, MONDO:0017380, OMIM 174900.

Submission:

Labcorp Genetics (formerly Invitae), Labcorp
Classification: Uncertain significance for Juvenile polyposis syndrome. Last evaluated: 2023-11-21. Review status: criteria provided, single submitter. Criteria: Invitae Variant Classification Sherloc (09022015). Collection method: clinical testing. Allele origin: germline.
Comment: This sequence change replaces tyrosine, which is neutral and polar, with histidine, which is basic and polar, at codon 133 of the SMAD4 protein (p.Tyr133His). This variant is not present in population databases (gnomAD no frequency). This variant has not been reported in the literature in individuals affected with SMAD4-related conditions. Advanced modeling of protein sequence and biophysical properties (such as structural, functional, and spatial information, amino acid conservation, physicochemical variation, residue mobility, and thermodynamic stability) has been performed at Invitae for this missense variant, however the output from this modeling did not meet the statistical confidence thresholds required to predict the impact of this variant on SMAD4 protein function. In summary, the available evidence is currently insufficient to determine the role of this variant in disease. Therefore, it has been classified as a Variant of Uncertain Significance.

NM_005359.6(SMAD4):c.397T>C (p.Tyr133His)

Gene: SMAD4 (SMAD family member 4; plus strand). Cytogenetic location: 18q21.2.
Variant type: single nucleotide variant.
Coding change: c.397T>C on transcript NM_005359.6 (MANE Select); coding-DNA position 397, T replaced by C.
Protein change: p.Tyr133His; replaces tyrosine 133 with histidine.
Molecular consequence: missense variant. On other transcripts: non-coding transcript variant (2).
Genome position (GRCh38, 1-based): chr18:51,048,833, T>C. VCF-style: chr18-51048833-T-C. GRCh37 (hg19) VCF-style: chr18-48575203-T-C.
Other names: c.397T>C, p.Tyr133His (NM_001407041.1, NM_001407042.1, NM_001407043.1); short protein forms Y133H.
Identifiers: ClinVar variation 2697827 (VCV002697827.3), dbSNP rs2144406126, ClinGen allele CA402458754.
Genomic context (GRCh38, chr18:51,048,833, plus strand): 5'-AAATATTGTCAGTATGCGTTTGACTTAAAATGTGATAGTGTCTGTGTGAATCCATATCAC[T>C]ACGAACGAGTTGTATCACCTGGAATTGGTAAGTAGACTTTGCTTTCATCCTAAGAAACAT-3'
Protein context (NP_005350.1, residues 123-143): CDSVCVNPYH[Tyr133His]ERVVSPGIDL